The following is an entry in ClinVar:

ClinVar aggregate classification (germline): Uncertain significance. Review status: criteria provided, multiple submitters, no conflicts (2 of 4 stars). 2 submissions from 2 submitters: Uncertain significance (2). Last evaluated 2024-09-09.

Conditions:
Hereditary cancer-predisposing syndrome. Also called: Hereditary neoplastic syndrome; Neoplastic Syndromes, Hereditary; Tumor predisposition; Hereditary Cancer Syndrome. Identifiers: Orphanet 140162, MedGen C0027672, MeSH D009386, MONDO:0015356.

Submissions (2):

Ambry Genetics
Classification: Uncertain significance for Hereditary cancer-predisposing syndrome. Last evaluated: 2024-09-09. Review status: criteria provided, single submitter. Criteria: Ambry Variant Classification Scheme 2023. Collection method: clinical testing. Allele origin: germline.
Comment: The p.A910S variant (also known as c.2728G>T), located in coding exon 20 of the MSH3 gene, results from a G to T substitution at nucleotide position 2728. The alanine at codon 910 is replaced by serine, an amino acid with similar properties. This amino acid position is conserved. In addition, this alteration is predicted to be deleterious by in silico analysis. Based on the available evidence, the clinical significance of this variant remains unclear.

Labcorp Genetics (formerly Invitae), Labcorp
Classification: Uncertain significance. Last evaluated: 2022-02-08. Review status: criteria provided, single submitter. Criteria: Invitae Variant Classification Sherloc (09022015). Collection method: clinical testing. Allele origin: germline.
Comment: In summary, the available evidence is currently insufficient to determine the role of this variant in disease. Therefore, it has been classified as a Variant of Uncertain Significance. Algorithms developed to predict the effect of missense changes on protein structure and function are either unavailable or do not agree on the potential impact of this missense change (SIFT: "Deleterious"; PolyPhen-2: "Possibly Damaging"; Align-GVGD: "Class C0"). This variant has not been reported in the literature in individuals affected with MSH3-related conditions. This variant is not present in population databases (gnomAD no frequency). This sequence change replaces alanine, which is neutral and non-polar, with serine, which is neutral and polar, at codon 910 of the MSH3 protein (p.Ala910Ser).

NM_002439.5(MSH3):c.2728G>T (p.Ala910Ser)

Gene: MSH3 (mutS homolog 3; plus strand). Cytogenetic location: 5q14.1.
Variant type: single nucleotide variant.
Coding change: c.2728G>T on transcript NM_002439.5 (MANE Select); coding-DNA position 2728, G replaced by T.
Protein change: p.Ala910Ser; replaces alanine 910 with serine.
Molecular consequence: missense variant.
Genome position (GRCh38, 1-based): chr5:80,813,656, G>T. VCF-style: chr5-80813656-G-T. GRCh37 (hg19) VCF-style: chr5-80109475-G-T.
Other names: c.2728G>T (NM_002439.3); short protein forms A910S.
Identifiers: ClinVar variation 2093740 (VCV002093740.5), dbSNP rs1745048127, ClinGen allele CA360273958.
Genomic context (GRCh38, chr5:80,813,656, plus strand): 5'-AGAGTAATGATAATTACCGGACCAAACATGGGTGGAAAGAGCTCCTACATAAAACAAGTT[G>T]CATTGATTACCATCATGGCTCAGATTGGCTCCTATGTTCCTGCAGAAGAAGCGACAATTG-3'
Protein context (NP_002430.3, residues 900-920): GGKSSYIKQV[Ala910Ser]LITIMAQIGS